The following is an entry in ClinVar:

ClinVar aggregate classification (germline): Conflicting classifications of pathogenicity. Review status: criteria provided, conflicting classifications (1 of 4 stars). 6 submissions from 6 submitters: Likely pathogenic (4); Uncertain significance (2). Last evaluated 2025-09-02.

Conditions:
Alport syndrome. Also called: Hemorrhagic familial nephritis; Hemorrhagic hereditary nephritis; Congenital hereditary hematuria. Identifiers: Orphanet 63, MedGen C1567741, MONDO:0018965.
COL4A3-related disorder. Also called: COL4A3-related condition; COL4A3-Related Disorders.
Alport syndrome 3b, autosomal recessive. Identifiers: MedGen C5882699, MONDO:0957811, OMIM 620536.
Autosomal recessive Alport syndrome (ATS2). Also called: COL4A4 Alport Syndrome and Thin Basement Membrane Nephropathy; Alport syndrome type 2; COL4A3-Related Nephropathy; ALPORT SYNDROME 2, AUTOSOMAL RECESSIVE. Identifiers: Orphanet 63, Orphanet 88919, MedGen C4746745, MONDO:0008762, OMIM 203780.

Submissions (6):

Variantyx, Inc.
Classification: Likely pathogenic for Alport syndrome 3b, autosomal recessive. Last evaluated: 2025-09-02. Review status: criteria provided, single submitter. Criteria: Variantyx Assertion Criteria 2022. Collection method: clinical testing. Allele origin: germline. Inheritance: Autosomal recessive inheritance. Affected: yes.
Comment: This is a nonsynonymous variant in the COL4A3 gene (OMIM: 120070). Pathogenic variants in this gene have been associated with autosomal recessive COL4A3-related Alport spectrum. This variant has been reported in at least 1 unrelated affected individuals (PMID: 34400539). Th is variant replaces a glycine residue in the repetitive Gly-X-Y sequence of the triple helical domain (amino acids 43-1438), which disrupts the structure of type IV fibrillar collagen and is a common disease mechanism in collagenopathies (PMID: 35177655, 33854215) (PM1_Strong), and multiple computational algorithms predict a deleterious effect for this variant (REVEL score: 0.889) (PP3). This variant is absent from control populations (PM2). Based on the current evidence, this variant is classified as likely pathogenic for autosomal recessiveCOL4A3-related Alport spectrum.

Victorian Clinical Genetics Services, Murdoch Childrens Research Institute
Classification: Likely pathogenic for Alport syndrome. Last evaluated: 2025-04-15. Review status: criteria provided, single submitter. Criteria: ACMG Guidelines, 2015. Collection method: clinical testing. Allele origin: germline. Affected: yes.
Comment: This variant is classified as Likely pathogenic. Evidence in support of pathogenic classification: Variant is absent from gnomAD (both v2 and v3); This variant has limited previous evidence of pathogenicity in unrelated individual. This variant has been reported once as a VUS in an individual with Alport syndrome and once as likely pathogenic in ClinVar. It has also been reported in an individual with nephrotic syndrome (PMID: 35102923); Variant affects one of the glycine residues of the well-established functional Gly-X-Y motif in the collagen triple helical domain (DECIPHER); Missense variant consistently predicted to be damaging by multiple in silico tools or highly conserved with a major amino acid change. Additional information: Variant is predicted to result in a missense amino acid change from glycine to valine; This variant is heterozygous; This gene is associated with both recessive and dominant Alport syndrome (MONDO:0018965), COL4A3-related; No published segregation evidence has been identified for this variant; No published functional evidence has been identified for this variant; No comparable missense variants have previous evidence for pathogenicity; Dominant negative and loss of function are known mechanisms of disease in this gene and are associated with Alport syndrome. Glycine changes that are part of a G-X-Y repeat in the triple helix of a collagen domain are known to have a dominant negative effect (PMID: 12028435); Inheritance information for this variant is not currently available in this individual.

Genomic Medicine Center of Excellence, King Faisal Specialist Hospital and Research Centre
Classification: Likely pathogenic for Alport syndrome 3b, autosomal recessive. Last evaluated: 2024-12-18. Review status: criteria provided, single submitter. Criteria: ACMG Guidelines, 2015. Collection method: clinical testing. Allele origin: germline.

Daryl Scott Lab, Baylor College of Medicine
Classification: Uncertain significance for COL4A3-related disorder. Last evaluated: 2024-01-01. Review status: criteria provided, single submitter. Criteria: ACMG Guidelines, 2015. Collection method: clinical testing. Allele origin: biparental. Observed: 1 homozygote.
Comment: PM2, PP3

CeGaT Center for Human Genetics Tuebingen
Classification: Likely pathogenic. Last evaluated: 2023-06-01. Review status: criteria provided, single submitter. Criteria: CeGaT Center For Human Genetics Tuebingen Variant Classification Criteria Version 2. Collection method: clinical testing. Allele origin: germline. Affected: yes. Observed: 1 variant allele.
Comment: COL4A3: PM1:Strong, PM2, PP4, PS4:Supporting

Baylor Genetics
Classification: Uncertain significance for Autosomal recessive Alport syndrome. Last evaluated: 2020-02-12. Review status: criteria provided, single submitter. Criteria: ACMG Guidelines, 2015. Collection method: clinical testing. Allele origin: unknown. Affected: yes.
Comment: This variant was determined to be of uncertain significance according to ACMG Guidelines, 2015 [PMID:25741868].

Literature cited by the submitters: PubMed 34400539 (cited by Variantyx, Inc.); PubMed 35177655 (cited by Variantyx, Inc.); PubMed 33854215 (cited by Variantyx, Inc.); PubMed 35102923 (cited by Victorian Clinical Genetics Services, Murdoch Childrens Research Institute); PubMed 12028435 (cited by Victorian Clinical Genetics Services, Murdoch Childrens Research Institute).

NM_000091.5(COL4A3):c.1679G>T (p.Gly560Val)

Genes: COL4A3 (collagen type IV alpha 3 chain; plus strand), MFF-DT (MFF divergent transcript; minus strand). Cytogenetic location: 2q36.3.
Variant type: single nucleotide variant.
Coding change: c.1679G>T on transcript NM_000091.5 (MANE Select); coding-DNA position 1679, G replaced by T.
Protein change: p.Gly560Val; replaces glycine 560 with valine.
Molecular consequence: missense variant.
Genome position (GRCh38, 1-based): chr2:227,270,873, G>T. VCF-style: chr2-227270873-G-T. GRCh37 (hg19) VCF-style: chr2-228135589-G-T.
Other names: short protein forms G560V.
Identifiers: ClinVar variation 1029641 (VCV001029641.33), dbSNP rs2071193842, ClinGen allele CA350871811.
Genomic context (GRCh38, chr2:227,270,873, plus strand): 5'-AAGGTGAAACACTTCAGCCTGAGGGGCAAGTGGGTGTCCCAGGTGACCCGGGGCTCAGAG[G>T]CCAACCTGGGAGAAAGGGCTTGGATGGAATTCCTGGAACTCCGGGAGTGAAAGGATTACC-3'
Protein context (NP_000082.2, residues 550-570): VGVPGDPGLR[Gly560Val]QPGRKGLDGI